The following is an entry in ClinVar:

NM_014491.4(FOXP2):c.1621T>G (p.Phe541Val)

Gene: FOXP2 (forkhead box P2; plus strand). Cytogenetic location: 7q31.1.
Variant type: single nucleotide variant.
Coding change: c.1621T>G on transcript NM_014491.4 (MANE Select); coding-DNA position 1621, T replaced by G.
Protein change: p.Phe541Val; replaces phenylalanine 541 with valine.
Molecular consequence: missense variant. On other transcripts: non-coding transcript variant (2).
Genome position (GRCh38, 1-based): chr7:114,659,647, T>G. VCF-style: chr7-114659647-T-G. GRCh37 (hg19) VCF-style: chr7-114299702-T-G.
Other names: c.1672T>G, p.Phe558Val (NM_148900.4); c.1618T>G, p.Phe540Val (NM_001172766.3); c.1696T>G, p.Phe566Val (NM_148898.4); short protein forms F540V, F541V, F558V, F566V.
Identifiers: ClinVar variation 3373671 (VCV003373671.3).

ClinVar aggregate classification (germline): Likely pathogenic (1 of 4 stars; one submission).

Submission:

GeneDx
Classification: Likely pathogenic. Last evaluated: 2026-10-14. Review status: criteria provided, single submitter. Criteria: GeneDx Variant Classification Process June 2021. Collection method: clinical testing. Allele origin: germline.
Comment: Not observed at significant frequency in large population cohorts (gnomAD); In silico analysis supports that this missense variant has a deleterious effect on protein structure/function; Has not been previously published as pathogenic or benign to our knowledge